The following is an entry in ClinVar:

ClinVar aggregate classification (germline): Benign (0 of 4 stars; one submission).

Conditions:
SLC51A-related disorder. Also called: SLC51A-related condition.

Allele frequency attached by ClinVar (database versions not stated): ESP Exome Variant Server 0.41096; gnomAD 0.43649; TOPMed 0.44371; gnomAD exomes 0.46021; ExAC 0.48007; 1000 Genomes Project 30x 0.48751; 1000 Genomes Project 0.49760.
gnomAD v4.1: 738,051 of 1,612,724 alleles (46%); highest among the groups gnomAD compares: East Asian, 82%; 173,328 homozygotes.

Submission:

PreventionGenetics, part of Exact Sciences
Classification: Benign for SLC51A-related condition. Last evaluated: 2023-06-22. Review status: no assertion criteria provided. Collection method: clinical testing. Allele origin: germline.
Comment: This variant is classified as benign based on ACMG/AMP sequence variant interpretation guidelines (Richards et al. 2015 PMID: 25741868, with internal and published modifications).

NM_152672.6(SLC51A):c.675T>C (p.Leu225=)

Gene: SLC51A (solute carrier family 51 member A; plus strand). Cytogenetic location: 3q29.
Variant type: single nucleotide variant.
Coding change: c.675T>C on transcript NM_152672.6 (MANE Select); coding-DNA position 675, T replaced by C.
Protein change: p.Leu225=; no amino-acid change (leucine 225 retained).
Molecular consequence: synonymous variant.
Genome position (GRCh38, 1-based): chr3:196,229,956, T>C. VCF-style: chr3-196229956-T-C. GRCh37 (hg19) VCF-style: chr3-195956827-T-C.
Identifiers: ClinVar variation 3060917 (VCV003060917.2), dbSNP rs17852687, ClinGen allele CA2779189.